The following is an entry in ClinVar:

NM_001129.5(AEBP1):c.3389A>G (p.Glu1130Gly)

Gene: AEBP1 (AE binding protein 1; plus strand). Cytogenetic location: 7p13.
Variant type: single nucleotide variant.
Coding change: c.3389A>G on transcript NM_001129.5 (MANE Select); coding-DNA position 3389, A replaced by G.
Protein change: p.Glu1130Gly; replaces glutamic acid 1130 with glycine.
Molecular consequence: missense variant.
Genome position (GRCh38, 1-based): chr7:44,114,173, A>G. VCF-style: chr7-44114173-A-G. GRCh37 (hg19) VCF-style: chr7-44153772-A-G.
Other names: short protein forms E1130G.
Identifiers: ClinVar variation 4529883 (VCV004529883.1).

ClinVar aggregate classification (germline): Uncertain significance (1 of 4 stars; one submission).

gnomAD v4.1: 63 of 1,613,414 alleles (0.0039%); highest among the groups gnomAD compares: Non-Finnish European, 0.0051%; no homozygotes.

Submission:

GeneDx
Classification: Uncertain significance. Last evaluated: 2025-05-12. Review status: criteria provided, single submitter. Criteria: GeneDx Variant Classification Process June 2021. Collection method: clinical testing. Allele origin: germline. Affected: yes.
Comment: Not observed at significant frequency in large population cohorts (gnomAD); In silico analysis suggests that this missense variant does not alter protein structure/function; Has not been previously published as pathogenic or benign to our knowledge